The following is an entry in ClinVar:

ClinVar aggregate classification (germline): Pathogenic (1 of 4 stars; one submission).

Conditions:
Autosomal dominant nonsyndromic hearing loss 65. Also called: Deafness, autosomal dominant 65; TBC1D24-Related Autosomal Dominant Nonsyndromic Hearing Loss (DFNA). Identifiers: Orphanet 90635, MedGen C3892048, MONDO:0014470, OMIM 616044.
Developmental and epileptic encephalopathy, 1 (DEE1). Also called: X-linked infantile spasms; West's syndrome; Tonic spasms with clustering, arrest of psychomotor development and hypsarrhythmia on EEG; X-Linked Infantile Spasm Syndrome; OHTAHARA SYNDROME, X-LINKED; INFANTILE SPASM SYNDROME, X-LINKED 1. Identifiers: MedGen C3463992, MONDO:0010632, OMIM 308350. Disease mechanism: loss of function.

Allele frequency attached by ClinVar (database versions not stated): TOPMed below 0.00001; gnomAD exomes below 0.00001.

Submission:

Labcorp Genetics (formerly Invitae), Labcorp
Classification: Pathogenic for Developmental and epileptic encephalopathy, 1; Autosomal dominant nonsyndromic hearing loss 65. Last evaluated: 2025-10-01. Review status: criteria provided, single submitter. Criteria: Invitae Variant Classification Sherloc (09022015). Collection method: clinical testing. Allele origin: germline.
Comment: This sequence change creates a premature translational stop signal (p.Arg381Lysfs*7) in the TBC1D24 gene. It is expected to result in an absent or disrupted protein product. Loss-of-function variants in TBC1D24 are known to be pathogenic (PMID: 23526554, 24291220). This variant is present in population databases (no rsID available, gnomAD 0.001%). This variant has not been reported in the literature in individuals affected with TBC1D24-related conditions. ClinVar contains an entry for this variant (Variation ID: 1451981). For these reasons, this variant has been classified as Pathogenic.

Literature cited by the submitters: PubMed 23526554; PubMed 24291220.

NM_001199107.2(TBC1D24):c.1141dup (p.Arg381fs)

Gene: TBC1D24 (TBC1 domain family member 24; plus strand). Cytogenetic location: 16p13.3.
Variant type: Duplication.
Coding change: c.1141dup on transcript NM_001199107.2 (MANE Select); coding-DNA position 1141, one base duplicated (A; older notation c.1141dupA).
Protein change: p.Arg381fs; shifts the reading frame from arginine 381.
Molecular consequence: frameshift variant.
Genome position (GRCh38, 1-based): chr16:2,498,395, A duplicated. VCF-style (leftmost placement, unchanged base first): chr16-2498394-C-CA. GRCh37 (hg19) VCF-style: chr16-2548395-C-CA.
Other names: c.1123dup, p.Arg375fs (NM_020705.3); short protein forms R375fs, R381fs.
Identifiers: ClinVar variation 1451981 (VCV001451981.6), dbSNP rs1205407936, ClinGen allele CA620394880.